The following is an entry in ClinVar:

ClinVar aggregate classification (germline): Uncertain significance (1 of 4 stars; one submission).

gnomAD v4.1: 10 of 1,604,472 alleles (0.00062%); highest among the groups gnomAD compares: African/African-American, 0.013%; no homozygotes.

Submission:

GeneDx
Classification: Uncertain significance. Last evaluated: 2024-12-04. Review status: criteria provided, single submitter. Criteria: GeneDx Variant Classification Process June 2021. Collection method: clinical testing. Allele origin: germline. Affected: yes.
Comment: Not observed at significant frequency in large population cohorts (gnomAD); Missense variant in a gene in which most reported pathogenic variants are truncating/loss of function; In silico analysis is inconclusive as to whether the variant alters gene splicing; in the absence of RNA/functional studies, the actual effect of this sequence change is unknown; Has not been previously published as pathogenic or benign to our knowledge

NM_001267550.2(TTN):c.56990T>G (p.Val18997Gly)

Genes: TTN (titin; minus strand), TTN-AS1 (TTN antisense RNA 1; plus strand). Cytogenetic location: 2q31.2.
Variant type: single nucleotide variant.
Coding change: c.56990T>G on transcript NM_001267550.2 (MANE Select); coding-DNA position 56990, T replaced by G.
Protein change: p.Val18997Gly; replaces valine 18997 with glycine.
Molecular consequence: missense variant. On other transcripts: non-coding transcript variant (1).
Genome position (GRCh38, 1-based): chr2:178,598,627, A>C on the plus strand (T>G on the coding strand, the complement: TTN is on the minus strand). VCF-style: chr2-178598627-A-C. GRCh37 (hg19) VCF-style: chr2-179463354-A-C.
Other names: c.52067T>G, p.Val17356Gly (NM_001256850.1); c.29795T>G, p.Val9932Gly (NM_003319.4); c.49286T>G, p.Val16429Gly (NM_133378.4); c.30170T>G, p.Val10057Gly (NM_133432.3); c.30371T>G, p.Val10124Gly (NM_133437.4); short protein forms V10057G, V10124G, V16429G, V17356G, V18997G, V9932G.
Identifiers: ClinVar variation 3901494 (VCV003901494.1).
Genomic context (GRCh38, chr2:178,598,627, plus strand): 5'-CCACCATCTTTTAGTGGGGGAGACCACTCCAGATCTGCAGATGATTTAGTCCAATCTGTC[A>C]CTTTGGGAAATGGAGGACCAGGAGGGGCTGCAAAGAGCCAGTATACGTTAGTATTCTTGA-3'
Protein context (NP_001254479.2, residues 18987-19007): IAPPGPPFPK[Val18997Gly]TDWTKSSADL